The following is an entry in ClinVar:

ClinVar aggregate classification (germline): Conflicting classifications of pathogenicity. Review status: criteria provided, conflicting classifications (1 of 4 stars). 4 submissions from 4 submitters: Uncertain significance (2); Likely benign (2). Last evaluated 2026-03-02.

Conditions:
Cardiomyopathy (CMYO). Also called: Cardiomyopathies. Identifiers: Orphanet 167848, MedGen C0878544, MONDO:0004994, HP:0001638. Inheritance: Various modes of inheritance.
Arrhythmogenic right ventricular dysplasia 5. Also called: Arrhythmogenic Right Ventricular Dysplasia/Cardiomyopathy 5; ARRHYTHMOGENIC RIGHT VENTRICULAR DYSPLASIA, FAMILIAL, 5. Identifiers: MedGen C1858379, MONDO:0011459, OMIM 604400.

Allele frequency attached by ClinVar (database versions not stated): gnomAD exomes 0.00001 and 0.00002; ExAC 0.00002; gnomAD 0.00002; TOPMed 0.00010; 1000 Genomes Project 30x 0.00016; 1000 Genomes Project 0.00020.

Submissions (4):

Women's Health and Genetics/Laboratory Corporation of America, LabCorp
Classification: Uncertain significance. Last evaluated: 2026-03-02. Review status: criteria provided, single submitter. Criteria: LabCorp Variant Classification Summary - May 2015. Collection method: clinical testing. Allele origin: germline.

Labcorp Genetics (formerly Invitae), Labcorp
Classification: Uncertain significance for Arrhythmogenic right ventricular dysplasia 5. Last evaluated: 2025-12-03. Review status: criteria provided, single submitter. Criteria: Invitae Variant Classification Sherloc (09022015). Collection method: clinical testing. Allele origin: germline.
Comment: This sequence change falls in intron 8 of the TMEM43 gene. It does not directly change the encoded amino acid sequence of the TMEM43 protein. It affects a nucleotide within the consensus splice site. This variant is present in population databases (rs185025731, gnomAD 0.007%). This variant has not been reported in the literature in individuals affected with TMEM43-related conditions. ClinVar contains an entry for this variant (Variation ID: 918962). Variants that disrupt the consensus splice site are a relatively common cause of aberrant splicing (PMID: 17576681, 9536098). Algorithms developed to predict the effect of sequence changes on RNA splicing suggest that this variant is not likely to affect RNA splicing. In summary, the available evidence is currently insufficient to determine the role of this variant in disease. Therefore, it has been classified as a Variant of Uncertain Significance.

GeneDx
Classification: Likely benign. Last evaluated: 2024-02-09. Review status: criteria provided, single submitter. Criteria: GeneDx Variant Classification Process June 2021. Collection method: clinical testing. Allele origin: germline. Affected: yes.
Comment: See Variant Classification Assertion Criteria.

Color Diagnostics, LLC DBA Color Health
Classification: Likely benign for Cardiomyopathy. Last evaluated: 2018-12-13. Review status: criteria provided, single submitter. Criteria: ACMG Guidelines, 2015. Collection method: clinical testing. Allele origin: germline.

Literature cited by the submitters: PubMed 17576681 (cited by Labcorp Genetics (formerly Invitae), Labcorp); PubMed 9536098 (cited by Labcorp Genetics (formerly Invitae), Labcorp).

NM_024334.3(TMEM43):c.705+6C>T

Gene: TMEM43 (transmembrane protein 43; plus strand). Cytogenetic location: 3p25.1.
Variant type: single nucleotide variant.
Coding change: c.705+6C>T on transcript NM_024334.3 (MANE Select); 6 bases into the intron after coding-DNA position 705, C replaced by T.
Molecular consequence: intron variant.
Genome position (GRCh38, 1-based): chr3:14,134,897, C>T. VCF-style: chr3-14134897-C-T. GRCh37 (hg19) VCF-style: chr3-14176397-C-T.
Identifiers: ClinVar variation 918962 (VCV000918962.14), dbSNP rs185025731, ClinGen allele CA055023.
Genomic context (GRCh38, chr3:14,134,897, plus strand): 5'-CATCATTCGCCGTGGAGACTTTTTCTACCACAGCGAAAATCCCAAGTATCCAGAGGTGTG[C>T]GGAGAGGCCTGGGCTCTCCAAATAGGAGGGTCAGGGCGCTAGGATCAGGTTCCTGCGCCA-3'